The following is an entry in ClinVar:

NM_022051.3(EGLN1):c.484C>G (p.Leu162Val)

Gene: EGLN1 (egl-9 family hypoxia inducible factor 1; minus strand). Cytogenetic location: 1q42.2.
Variant type: single nucleotide variant.
Coding change: c.484C>G on transcript NM_022051.3 (MANE Select); coding-DNA position 484, C replaced by G.
Protein change: p.Leu162Val; replaces leucine 162 with valine.
Molecular consequence: missense variant.
Genome position (GRCh38, 1-based): chr1:231,421,405, G>C on the plus strand (C>G on the coding strand, the complement: EGLN1 is on the minus strand). VCF-style: chr1-231421405-G-C. GRCh37 (hg19) VCF-style: chr1-231557151-G-C.
Other names: c.484C>G, p.Leu162Val (NM_001377260.1, NM_001377261.1); short protein forms L162V.
Identifiers: ClinVar variation 1743554 (VCV001743554.2), dbSNP rs2102947465, ClinGen allele CA345236813.

ClinVar aggregate classification (germline): Uncertain significance (1 of 4 stars; one submission).

gnomAD v4.1: 2 of 1,597,188 alleles (0.00013%); highest among the groups gnomAD compares: Non-Finnish European, 0.00017%; no homozygotes.

Submission:

Ambry Genetics
Classification: Uncertain significance. Last evaluated: 2022-07-05. Review status: criteria provided, single submitter. Criteria: Ambry Variant Classification Scheme 2023. Collection method: clinical testing. Allele origin: germline.
Comment: The p.L162V variant (also known as c.484C>G), located in coding exon 1 of the EGLN1 gene, results from a C to G substitution at nucleotide position 484. The leucine at codon 162 is replaced by valine, an amino acid with highly similar properties. This amino acid position is conserved. In addition, this alteration is predicted to be tolerated by in silico analysis. Since supporting evidence is limited at this time, the clinical significance of this alteration remains unclear.